The following is an entry in ClinVar:

ClinVar aggregate classification (germline): Benign (1 of 4 stars; one submission).

Conditions:
Usher syndrome type 1G. Also called: USHER SYNDROME, TYPE IG, MILD. Identifiers: Orphanet 231169, Orphanet 886, MedGen C1847089, MONDO:0011748, OMIM 606943.

Allele frequency attached by ClinVar (database versions not stated): gnomAD exomes 0.00117; 1000 Genomes Project 0.01478; 1000 Genomes Project 30x 0.01608; gnomAD 0.01825 and 0.01972; TOPMed 0.01953.
gnomAD v4.1: 2,694 of 150,610 alleles (1.8%); highest among the groups gnomAD compares: African/African-American, 6.3%; 79 homozygotes.

Submission:

Illumina Laboratory Services, Illumina
Classification: Benign for Usher syndrome type 1G. Last evaluated: 2017-04-27. Review status: criteria provided, single submitter. Criteria: ICSL Variant Classification Criteria 13 December 2019. Collection method: clinical testing. Allele origin: germline.
Comment: This variant was observed as part of a predisposition screen in an ostensibly healthy population. A literature search was performed for the gene, cDNA change, and amino acid change (where applicable). No publications were found based on this search. Allele frequency data from public databases was too high to be consistent with this variant causing disease. Therefore, this variant is classified as benign.

NM_173477.5(USH1G):c.*1112C>T

Gene: USH1G (USH1 protein network component sans; minus strand). Cytogenetic location: 17q25.1.
Variant type: single nucleotide variant.
Coding change: c.*1112C>T on transcript NM_173477.5 (MANE Select); 1112 bases downstream of the stop codon, C replaced by T.
Molecular consequence: 3 prime UTR variant.
Genome position (GRCh38, 1-based): chr17:74,916,961, G>A on the plus strand (C>T on the coding strand, the complement: USH1G is on the minus strand). VCF-style: chr17-74916961-G-A. GRCh37 (hg19) VCF-style: chr17-72913053-G-A.
Other names: c.*1112C>T (NM_001282489.3).
Identifiers: ClinVar variation 890034 (VCV000890034.4), dbSNP rs114353953, ClinGen allele CA14484423.